The following is an entry in ClinVar:

ClinVar aggregate classification (germline): Benign/Likely benign. Review status: criteria provided, single submitter (1 of 4 stars). 3 submissions from 1 submitter: Benign (2); Likely benign (1). Last evaluated 2018-01-12.

Conditions:
Myhre syndrome (MYHRS). Also called: LARYNGOTRACHEAL STENOSIS, ARTHROPATHY, PROGNATHISM, AND SHORT STATURE; LAPS SYNDROME. Identifiers: Orphanet 2588, MedGen C0796081, MONDO:0007688, OMIM 139210.
Generalized juvenile polyposis/juvenile polyposis coli. Also called: Juvenile polyposis coli. Identifiers: Orphanet 329971, MedGen C1868081, MONDO:0008276.
Juvenile polyposis/hereditary hemorrhagic telangiectasia syndrome (JPHT). Also called: JP/HHT SYNDROME; JUVENILE POLYPOSIS WITH HEREDITARY HEMORRHAGIC TELANGIECTASIA; POLYPOSIS, GENERALIZED JUVENILE, WITH PULMONARY ARTERIOVENOUS MALFORMATION; TELANGIECTASIA, HEREDITARY HEMORRHAGIC, WITH JUVENILE POLYPOSIS COLI; Juvenile Polyposis Syndrome / Hereditary Hemorrhagic Telangiectasia (JPS/HHT). Identifiers: Orphanet 2929, MedGen C1832942, MONDO:0008278, OMIM 175050.

Allele frequency attached by ClinVar (database versions not stated): 1000 Genomes Project 0.00060; 1000 Genomes Project 30x 0.00062.
gnomAD v4.1: 14 of 231,912 alleles (0.006%); highest among the groups gnomAD compares: South Asian, 0.24%; no homozygotes.

Submissions (3):

Illumina Laboratory Services, Illumina
Classification: Likely benign for Juvenile polyposis/hereditary hemorrhagic telangiectasia syndrome. Last evaluated: 2018-01-12. Review status: criteria provided, single submitter. Criteria: ICSL Variant Classification Criteria 13 December 2019. Collection method: clinical testing. Allele origin: germline.
Comment: This variant was observed in the ICSL laboratory as part of a predisposition screen in an ostensibly healthy population. It had not been previously curated by ICSL or reported in the Human Gene Mutation Database (HGMD: prior to June 1st, 2018), and was therefore a candidate for classification through an automated scoring system. Utilizing variant allele frequency, disease prevalence and penetrance estimates, and inheritance mode, an automated score was calculated to assess if this variant is too frequent to cause the disease. Based on the score and internal cut-off values, a variant classified as likely benign is not then subjected to further curation. The score for this variant resulted in a classification of likely benign for this disease.

Illumina Laboratory Services, Illumina
Classification: Benign for Myhre syndrome. Last evaluated: 2018-01-12. Review status: criteria provided, single submitter. Criteria: ICSL Variant Classification Criteria 13 December 2019. Collection method: clinical testing. Allele origin: germline.
Comment: This variant was observed in the ICSL laboratory as part of a predisposition screen in an ostensibly healthy population. It had not been previously curated by ICSL or reported in the Human Gene Mutation Database (HGMD: prior to June 1st, 2018), and was therefore a candidate for classification through an automated scoring system. Utilizing variant allele frequency, disease prevalence and penetrance estimates, and inheritance mode, an automated score was calculated to assess if this variant is too frequent to cause the disease. Based on the score and internal cut-off values, a variant classified as benign is not then subjected to further curation. The score for this variant resulted in a classification of benign for this disease.

Illumina Laboratory Services, Illumina
Classification: Benign for Juvenile polyposis syndrome. Last evaluated: 2018-01-12. Review status: criteria provided, single submitter. Criteria: ICSL Variant Classification Criteria 13 December 2019. Collection method: clinical testing. Allele origin: germline.
Comment: the same text as in the submission from Illumina Laboratory Services, Illumina above.

NM_005359.6(SMAD4):c.*1864C>A

Gene: SMAD4 (SMAD family member 4; plus strand). Cytogenetic location: 18q21.2.
Variant type: single nucleotide variant.
Coding change: c.*1864C>A on transcript NM_005359.6 (MANE Select); 1864 bases downstream of the stop codon, C replaced by A.
Molecular consequence: 3 prime UTR variant.
Genome position (GRCh38, 1-based): chr18:51,080,331, C>A. VCF-style: chr18-51080331-C-A. GRCh37 (hg19) VCF-style: chr18-48606701-C-A.
Identifiers: ClinVar variation 327134 (VCV000327134.5), dbSNP rs561442548, ClinGen allele CA10641664.